The following is an entry in ClinVar:

ClinVar aggregate classification (germline): Uncertain significance (1 of 4 stars; one submission).

Conditions:
Norman-Roberts syndrome (LIS2). Also called: Lissencephaly 2 (Norman-Roberts type). Identifiers: Orphanet 89844, MedGen C0796089, MONDO:0009760, OMIM 257320.
Familial temporal lobe epilepsy 7. Identifiers: Orphanet 101046, MedGen C4225327, MONDO:0014639, OMIM 616436.

Submission:

Labcorp Genetics (formerly Invitae), Labcorp
Classification: Uncertain significance for Familial temporal lobe epilepsy 7; Norman-Roberts syndrome. Last evaluated: 2024-02-06. Review status: criteria provided, single submitter. Criteria: Invitae Variant Classification Sherloc (09022015). Collection method: clinical testing. Allele origin: germline.
Comment: This sequence change replaces proline, which is neutral and non-polar, with histidine, which is basic and polar, at codon 1146 of the RELN protein (p.Pro1146His). This variant is not present in population databases (gnomAD no frequency). This variant has not been reported in the literature in individuals affected with RELN-related conditions. Advanced modeling of protein sequence and biophysical properties (such as structural, functional, and spatial information, amino acid conservation, physicochemical variation, residue mobility, and thermodynamic stability) performed at Invitae indicates that this missense variant is not expected to disrupt RELN protein function with a negative predictive value of 80%. In summary, the available evidence is currently insufficient to determine the role of this variant in disease. Therefore, it has been classified as a Variant of Uncertain Significance.

NM_005045.4(RELN):c.3437C>A (p.Pro1146His)

Gene: RELN (reelin; minus strand). Cytogenetic location: 7q22.1.
Variant type: single nucleotide variant.
Coding change: c.3437C>A on transcript NM_005045.4 (MANE Select); coding-DNA position 3437, C replaced by A.
Protein change: p.Pro1146His; replaces proline 1146 with histidine.
Molecular consequence: missense variant.
Genome position (GRCh38, 1-based): chr7:103,596,558, G>T on the plus strand (C>A on the coding strand, the complement: RELN is on the minus strand). VCF-style: chr7-103596558-G-T. GRCh37 (hg19) VCF-style: chr7-103237005-G-T.
Other names: c.3437C>A, p.Pro1146His (NM_173054.3); short protein forms P1146H.
Identifiers: ClinVar variation 3754129 (VCV003754129.2).
Genomic context (GRCh38, chr7:103,596,558, plus strand): 5'-TGCCACTGGATGCCCCCATTGTTGCTGTACTGAAGGAGGACGCCCTCCTCTCTGCTGTCA[G>T]GCTTGTTGCATGAAGCACTCTCTCCGCCTATCTGGATGTAGAACTGGACAAAGTCCACCC-3'
Protein context (NP_005036.2, residues 1136-1156): IGGESASCNK[Pro1146His]DSREEGVLLQ